The following is an entry in ClinVar:

ClinVar aggregate classification (germline): Uncertain significance (1 of 4 stars; one submission).

Conditions:
Colorectal cancer, susceptibility to, 12 (CRCS12). Also called: COLORECTAL CANCER, SUSCEPTIBILITY TO, ON CHROMOSOME 12q24. Identifiers: Orphanet 220460, MedGen C3554460, MONDO:0014038, OMIM 615083.

Submission:

Labcorp Genetics (formerly Invitae), Labcorp
Classification: Uncertain significance for Colorectal cancer, susceptibility to, 12. Last evaluated: 2016-04-23. Review status: criteria provided, single submitter. Criteria: Invitae Variant Classification Sherloc (09022015). Collection method: clinical testing. Allele origin: germline.
Comment: This variant is a gross duplication of the genomic region encompassing exons 2-16 of the POLE gene. While the exact position of the duplicated exons cannot be determined from this data, the duplicated copy of this region is likely in tandem and may result in an absent or disrupted protein product. This variant has not been reported in the literature in individuals with a POLE-related disease. Although a truncating variant in POLE has been observed in individuals with colorectal cancer (PMID: 23585368), the currently available evidence is insufficient to establish a causal relationship between truncating variants in POLE with disease. Therefore, this change has been classified as a Variant of Uncertain Significance.

NM_006231.3(POLE):c.63-?_1794+?dup1732

Gene: POLE (DNA polymerase epsilon, catalytic subunit; minus strand). Cytogenetic location: 12q24.33.
Variant type: Duplication.
Coding change: c.63-?_1794+?dup1732 on transcript NM_006231.3.
Identifiers: ClinVar variation 254064 (VCV000254064.1).